The following is an entry in ClinVar:

NM_004006.3(DMD):c.10929A>C (p.Glu3643Asp)

Gene: DMD (dystrophin; minus strand). Cytogenetic location: Xp21.2.
Variant type: single nucleotide variant.
Coding change: c.10929A>C on transcript NM_004006.3 (MANE Select); coding-DNA position 10929, A replaced by C.
Protein change: p.Glu3643Asp; replaces glutamic acid 3643 with aspartic acid.
Molecular consequence: missense variant.
Genome position (GRCh38, 1-based): chrX:31,134,187, T>G on the plus strand (A>C on the coding strand, the complement: DMD is on the minus strand). VCF-style: chrX-31134187-T-G. GRCh37 (hg19) VCF-style: chrX-31152304-T-G.
Other names: c.10905A>C, p.Glu3635Asp (NM_000109.4); c.10917A>C, p.Glu3639Asp (NM_004009.3); c.10560A>C, p.Glu3520Asp (NM_004010.3); c.6906A>C, p.Glu2302Asp (NM_004011.4); c.6897A>C, p.Glu2299Asp (NM_004012.4); c.3549A>C, p.Glu1183Asp (NM_004013.3, NM_004021.3); c.2742A>C, p.Glu914Asp (NM_004014.3); c.1725A>C, p.Glu575Asp (NM_004015.3, NM_004016.3); and 3 more; short protein forms E3635D, E914D, E1170D, E3520D, E3639D, E575D, E1073D, E1183D.
Identifiers: ClinVar variation 2450353 (VCV002450353.5), dbSNP rs2519233221, ClinGen allele CA412648249.

ClinVar aggregate classification (germline): Uncertain significance. Review status: criteria provided, multiple submitters, no conflicts (2 of 4 stars). 2 submissions from 2 submitters: Uncertain significance (2). Last evaluated 2026-01-28.

Conditions:
Duchenne muscular dystrophy (DMD). Also called: Duchenne Muscular Dystrophy (DMD); MUSCULAR DYSTROPHY, PSEUDOHYPERTROPHIC PROGRESSIVE, DUCHENNE TYPE. Identifiers: Orphanet 98896, MedGen C0013264, MONDO:0010679, OMIM 310200.
Cardiovascular phenotype. Identifiers: MedGen CN230736.

Submissions (2):

Labcorp Genetics (formerly Invitae), Labcorp
Classification: Uncertain significance for Duchenne muscular dystrophy. Last evaluated: 2026-01-28. Review status: criteria provided, single submitter. Criteria: Invitae Variant Classification Sherloc (09022015). Collection method: clinical testing. Allele origin: germline.
Comment: This sequence change replaces glutamic acid, which is acidic and polar, with aspartic acid, which is acidic and polar, at codon 3643 of the DMD protein (p.Glu3643Asp). This variant is not present in population databases (gnomAD no frequency). This variant has not been reported in the literature in individuals affected with DMD-related conditions. ClinVar contains an entry for this variant (Variation ID: 2450353). Invitae Evidence Modeling of protein sequence and biophysical properties (such as structural, functional, and spatial information, amino acid conservation, physicochemical variation, residue mobility, and thermodynamic stability) indicates that this missense variant is not expected to disrupt DMD protein function with a negative predictive value of 95%. In summary, the available evidence is currently insufficient to determine the role of this variant in disease. Therefore, it has been classified as a Variant of Uncertain Significance.

Ambry Genetics
Classification: Uncertain significance for Cardiovascular phenotype. Last evaluated: 2023-03-09. Review status: criteria provided, single submitter. Criteria: Ambry Variant Classification Scheme 2023. Collection method: clinical testing. Allele origin: germline.
Comment: The p.E3643D variant (also known as c.10929A>C), located in coding exon 77 of the DMD gene, results from an A to C substitution at nucleotide position 10929. The glutamic acid at codon 3643 is replaced by aspartic acid, an amino acid with highly similar properties. This amino acid position is not well conserved in available vertebrate species. In addition, this alteration is predicted to be tolerated by in silico analysis. Since supporting evidence is limited at this time, the clinical significance of this alteration remains unclear.